The following is an entry in ClinVar:

NM_001372.4(DNAH9):c.3758dup (p.His1253fs)

Gene: DNAH9 (dynein axonemal heavy chain 9; plus strand). Cytogenetic location: 17p12.
Variant type: Duplication.
Coding change: c.3758dup on transcript NM_001372.4 (MANE Select); coding-DNA position 3758, one base duplicated (A; older notation c.3758dupA).
Protein change: p.His1253fs; shifts the reading frame from histidine 1253.
Molecular consequence: frameshift variant.
Genome position (GRCh38, 1-based): chr17:11,689,580, A duplicated. VCF-style (leftmost placement, unchanged base first): chr17-11689579-C-CA. GRCh37 (hg19) VCF-style: chr17-11592896-C-CA.
Other names: short protein forms H1253fs.
Identifiers: ClinVar variation 4294522 (VCV004294522.1).
Genomic context (GRCh38, chr17:11,689,579, plus strand): 5'-GGGCCCCTGCGTGCCATACTTACAAAGGAACACACTGTGTTTTGTAGGTTTGATAGCATC[C>CA]ACCCTCATCAAATGCTGGATGCCAGGCACATCGAGATCCAGCAGATGGAATCCACTATGG-3'

ClinVar aggregate classification (germline): Likely pathogenic (1 of 4 stars; one submission).

Conditions:
Ciliary dyskinesia, primary, 40. Also called: CILIARY DYSKINESIA, PRIMARY, 40, WITH OR WITHOUT SITUS INVERSUS. Identifiers: MedGen C4749028, MONDO:0032664, OMIM 618300.

Submission:

Molecular Genetics Department, Kulakov National Medical Research Center for Obstetrics, Gynecology and Perinatology
Classification: Likely pathogenic for Ciliary dyskinesia, primary, 40. Review status: criteria provided, single submitter. Criteria: ACMG Guidelines, 2015. Collection method: clinical testing. Allele origin: germline. Affected: yes. Observed: 1 variant allele.
Comment: A previously undescribed heterozygous nucleotide variant creates a frameshift p.His1253GlnfsTer25 in the DNAH9 gene. Homozygous and compound heterozygous variants are reported in patients with ciliary dyskinesia, primary, 40, 618300. The variant is not present in population database (gnomAD no frequency). The variant is found in trans-position with the DNAH9 variant (NM_001372.4:c.6116A>C). In summary, the currently available evidence indicates that the variant is pathogenic, but additional data are needed to prove that conclusively. Therefore, this variant has been classified as likely pathogenic.